The following is an entry in ClinVar:

NM_003238.6(TGFB2):c.154A>G (p.Ser52Gly)

Gene: TGFB2 (transforming growth factor beta 2; plus strand). Cytogenetic location: 1q41.
Variant type: single nucleotide variant.
Coding change: c.154A>G on transcript NM_003238.6 (MANE Select); coding-DNA position 154, A replaced by G.
Protein change: p.Ser52Gly; replaces serine 52 with glycine.
Molecular consequence: missense variant. On other transcripts: non-coding transcript variant (2).
Genome position (GRCh38, 1-based): chr1:218,346,855, A>G. VCF-style: chr1-218346855-A-G. GRCh37 (hg19) VCF-style: chr1-218520197-A-G.
Other names: c.154A>G, p.Ser52Gly (NM_001135599.4); short protein forms S52G.
Identifiers: ClinVar variation 449996 (VCV000449996.7), dbSNP rs771351240, ClinGen allele CA1398374.

ClinVar aggregate classification (germline): Uncertain significance. Review status: criteria provided, multiple submitters, no conflicts (2 of 4 stars). 3 submissions from 3 submitters: Uncertain significance (3). Last evaluated 2024-09-23.

Conditions:
Loeys-Dietz syndrome 4 (LDS4). Also called: ANEURYSM, AORTIC AND CEREBRAL, WITH ARTERIAL TORTUOSITY AND SKELETAL MANIFESTATIONS; TGFB2-Related Loeys-Dietz Syndrome. Identifiers: MedGen C3553762, MONDO:0013897, OMIM 614816.

Allele frequency attached by ClinVar (database versions not stated): gnomAD exomes below 0.00001 and 0.00001; ExAC 0.00001.
gnomAD v4.1: 7 of 1,614,122 alleles (0.00043%); highest among the groups gnomAD compares: South Asian, 0.0011%; no homozygotes.

Submissions (3):

Labcorp Genetics (formerly Invitae), Labcorp
Classification: Uncertain significance for Loeys-Dietz syndrome 4. Last evaluated: 2024-09-23. Review status: criteria provided, single submitter. Criteria: Invitae Variant Classification Sherloc (09022015). Collection method: clinical testing. Allele origin: germline.
Comment: This sequence change replaces serine, which is neutral and polar, with glycine, which is neutral and non-polar, at codon 52 of the TGFB2 protein (p.Ser52Gly). This variant is present in population databases (rs771351240, gnomAD 0.0009%). This variant has not been reported in the literature in individuals affected with TGFB2-related conditions. ClinVar contains an entry for this variant (Variation ID: 449996). Invitae Evidence Modeling of protein sequence and biophysical properties (such as structural, functional, and spatial information, amino acid conservation, physicochemical variation, residue mobility, and thermodynamic stability) indicates that this missense variant is not expected to disrupt TGFB2 protein function with a negative predictive value of 80%. In summary, the available evidence is currently insufficient to determine the role of this variant in disease. Therefore, it has been classified as a Variant of Uncertain Significance.

Fulgent Genetics
Classification: Uncertain significance for Loeys-Dietz syndrome 4. Last evaluated: 2021-12-08. Review status: criteria provided, single submitter. Criteria: ACMG Guidelines, 2015. Collection method: clinical testing. Allele origin: unknown.

GeneDx
Classification: Uncertain significance. Last evaluated: 2021-11-24. Review status: criteria provided, single submitter. Criteria: GeneDx Variant Classification Process June 2021. Collection method: clinical testing. Allele origin: germline. Affected: yes.
Comment: Has not been previously published as pathogenic or benign to our knowledge; Not observed at significant frequency in large population cohorts (Lek et al., 2016); In silico analysis supports that this missense variant does not alter protein structure/function